The following is an entry in ClinVar:

ClinVar aggregate classification (germline): Uncertain significance (1 of 4 stars; one submission).

Conditions:
Hereditary cancer-predisposing syndrome. Also called: Hereditary Cancer Syndrome; Neoplastic Syndromes, Hereditary; Tumor predisposition; Hereditary neoplastic syndrome. Identifiers: Orphanet 140162, MedGen C0027672, MeSH D009386, MONDO:0015356.

Submission:

Ambry Genetics
Classification: Uncertain significance for Hereditary cancer-predisposing syndrome. Last evaluated: 2026-07-28. Review status: criteria provided, single submitter. Criteria: Ambry Variant Classification Scheme 2023. Collection method: clinical testing. Allele origin: germline.
Comment: The c.3836+4A>G intronic variant results from an A to G substitution 4 nucleotides after coding exon 25 in the ALK gene. This nucleotide position is not well conserved in available vertebrate species. In silico splice site analysis predicts that this alteration will not have any significant effect on splicing. Based on the available evidence, the clinical significance of this variant remains unclear.

NM_004304.5(ALK):c.3836+4A>G

Gene: ALK (ALK receptor tyrosine kinase; minus strand). Cytogenetic location: 2p23.2.
Variant type: single nucleotide variant.
Coding change: c.3836+4A>G on transcript NM_004304.5 (MANE Select); 4 bases into the intron after coding-DNA position 3836, A replaced by G.
Molecular consequence: intron variant.
Genome position (GRCh38, 1-based): chr2:29,209,782, T>C on the plus strand (A>G on the coding strand, the complement: ALK is on the minus strand). VCF-style: chr2-29209782-T-C. GRCh37 (hg19) VCF-style: chr2-29432648-T-C.
Other names: c.632+4A>G (NM_001353765.2).
Identifiers: ClinVar variation 5034920 (VCV005034920.1).